The following is an entry in ClinVar:

ClinVar aggregate classification (germline): Benign. Review status: criteria provided, multiple submitters, no conflicts (2 of 4 stars). 2 submissions from 2 submitters: Benign (2). Last evaluated 2018-06-14.

Allele frequency attached by ClinVar (database versions not stated): gnomAD exomes 0.59206 and 0.60971; ExAC 0.61096; gnomAD 0.64751 and 0.65197; ESP Exome Variant Server 0.65339; 1000 Genomes Project 0.66094; TOPMed 0.66118; 1000 Genomes Project 30x 0.66131.
gnomAD v4.1: 923,698 of 1,545,330 alleles (60%); highest among the groups gnomAD compares: African/African-American, 82%; 279,127 homozygotes.

Submissions (2):

GeneDx
Classification: Benign. Last evaluated: 2018-06-14. Review status: criteria provided, single submitter. Criteria: GeneDx Variant Classification (06012015). Collection method: clinical testing. Allele origin: germline. Affected: yes.
Comment: This variant is considered likely benign or benign based on one or more of the following criteria: it is a conservative change, it occurs at a poorly conserved position in the protein, it is predicted to be benign by multiple in silico algorithms, and/or has population frequency not consistent with disease.

PreventionGenetics, part of Exact Sciences
Classification: Benign. Review status: criteria provided, single submitter. Criteria: ACMG Guidelines, 2015. Collection method: clinical testing. Allele origin: germline.

NM_000426.4(LAMA2):c.6993-44T>C

Gene: LAMA2 (laminin subunit alpha 2; plus strand). Cytogenetic location: 6q22.33.
Variant type: single nucleotide variant.
Coding change: c.6993-44T>C on transcript NM_000426.4 (MANE Select); 44 bases into the intron before coding-DNA position 6993, T replaced by C.
Molecular consequence: intron variant.
Genome position (GRCh38, 1-based): chr6:129,464,246, T>C. VCF-style: chr6-129464246-T-C. GRCh37 (hg19) VCF-style: chr6-129785391-T-C.
Other names: c.6993-44T>C (NM_001079823.2).
Identifiers: ClinVar variation 256084 (VCV000256084.2), dbSNP rs1414736, ClinGen allele CA3994411.
Genomic context (GRCh38, chr6:129,464,246, plus strand): 5'-CTGCCCTACAACAGCCTATAGTCTCATTGCTATTCAGTGATGCATTGAATAATGACAGAC[T>C]GAATAGATATGATCTGATTCATGTGAAATGTCTCTCTTCTCAGTCCTCAGGTGGAAGATA-3'